The following is an entry in ClinVar:

NM_005633.4(SOS1):c.1316A>C (p.Gln439Pro)

Gene: SOS1 (SOS Ras/Rac guanine nucleotide exchange factor 1; minus strand). Cytogenetic location: 2p22.1.
Variant type: single nucleotide variant.
Coding change: c.1316A>C on transcript NM_005633.4 (MANE Select); coding-DNA position 1316, A replaced by C.
Protein change: p.Gln439Pro; replaces glutamine 439 with proline.
Molecular consequence: missense variant.
Genome position (GRCh38, 1-based): chr2:39,023,112, T>G on the plus strand (A>C on the coding strand, the complement: SOS1 is on the minus strand). VCF-style: chr2-39023112-T-G. GRCh37 (hg19) VCF-style: chr2-39250253-T-G.
Other names: c.1295A>C, p.Gln432Pro (NM_001382394.1); c.1316A>C, p.Gln439Pro (NM_001382395.1); short protein forms Q439P, Q432P.
Identifiers: ClinVar variation 372565 (VCV000372565.1), dbSNP rs1057517861, ClinGen allele CA16042458.
Genomic context (GRCh38, chr2:39,023,112, plus strand): 5'-CTCTCATGTTTGGCTCCTACACGTGTAAGAGTTCCTTCCATTATAAATTCATTACAACAC[T>G]GTCCAATGTCTTTTCCCTCCCAACCATCAATATTCTTCTGAATCTCGTTCATCTTCTTGA-3'
Protein context (NP_005624.2, residues 429-449): IDGWEGKDIG[Gln439Pro]CCNEFIMEGT

ClinVar aggregate classification (germline): Likely pathogenic (1 of 4 stars; one submission).

Submission:

GeneDx
Classification: Likely pathogenic. Last evaluated: 2015-04-29. Review status: criteria provided, single submitter. Criteria: GeneDx Variant Classification (06012015). Collection method: clinical testing. Allele origin: germline. Affected: yes.
Comment: The Q439P missense substitution has not been published as a pathogenic variant, nor has it been reported as a benign polymorphism to our knowledge. It was not observed in approximately 6,500 individuals of European and African American ancestry in the NHLBI Exome Sequencing Project, indicating it is not a common benign variant in these populations. Q439P is a non-conservative amino acid substitution with a neutral, polar Glutamine residue being replaced by a non-polar Proline residue. It is located in a highly conserved region of the protein outside the known functional domains. Several pathogenic variants associated with Noonan syndrome have been reported in surrounding codons (G434R, I437T, C441Y) according to the Human Gene Mutation Database (Stenson et al. 2009). In silico algorithms predict Q439P is damaging to protein structure/function. The vast majority of missense changes in SOS1 are pathogenic; however, a small number of missense polymorphisms have been identified in this gene. Therefore, based on the available information, we interpret Q439P as a variant that is likely disease-causing.